The following is an entry in ClinVar:

NM_000092.5(COL4A4):c.4640C>T (p.Ala1547Val)

Gene: COL4A4 (collagen type IV alpha 4 chain; minus strand). Cytogenetic location: 2q36.3.
Variant type: single nucleotide variant.
Coding change: c.4640C>T on transcript NM_000092.5 (MANE Select); coding-DNA position 4640, C replaced by T.
Protein change: p.Ala1547Val; replaces alanine 1547 with valine.
Molecular consequence: missense variant.
Genome position (GRCh38, 1-based): chr2:227,008,187, G>A on the plus strand (C>T on the coding strand, the complement: COL4A4 is on the minus strand). VCF-style: chr2-227008187-G-A. GRCh37 (hg19) VCF-style: chr2-227872903-G-A.
Other names: short protein forms A1547V.
Identifiers: ClinVar variation 522505 (VCV000522505.14), dbSNP rs780916516, ClinGen allele CA2144111.

ClinVar aggregate classification (germline): Uncertain significance. Review status: criteria provided, multiple submitters, no conflicts (2 of 4 stars). 7 submissions from 7 submitters: Uncertain significance (5). 2 of the submissions do not count toward it. Last evaluated 2025-02-19.

Conditions:
Autosomal recessive Alport syndrome (ATS2). Also called: ALPORT SYNDROME 2, AUTOSOMAL RECESSIVE; COL4A3-Related Nephropathy; COL4A4 Alport Syndrome and Thin Basement Membrane Nephropathy; Alport syndrome type 2. Identifiers: Orphanet 63, Orphanet 88919, MedGen C4746745, MONDO:0008762, OMIM 203780.
Hematuria, benign familial, 1 (BFH1). Also called: THIN MEMBRANE NEPHROPATHY. Identifiers: MedGen CN376803, MONDO:0007709, OMIM 141200.
Alport syndrome. Also called: Hemorrhagic familial nephritis; Hemorrhagic hereditary nephritis; Congenital hereditary hematuria. Identifiers: Orphanet 63, MedGen C1567741, MONDO:0018965.
Autosomal dominant Alport syndrome (ATS3A). Also called: Alport syndrome dominant type; Renal failure and sensorineural hearing loss; ALPORT SYNDROME 3A, AUTOSOMAL DOMINANT. Identifiers: Orphanet 63, Orphanet 88918, MedGen C5882663, MONDO:0007086, OMIM 104200.

Allele frequency attached by ClinVar (database versions not stated): TOPMed 0.00003; gnomAD 0.00004; gnomAD exomes 0.00004 and 0.00002; ExAC 0.00003.
gnomAD v4.1: 73 of 1,614,082 alleles (0.0045%); highest among the groups gnomAD compares: Non-Finnish European, 0.0052%; no homozygotes.

Submissions (7):

Labcorp Genetics (formerly Invitae), Labcorp
Classification: Uncertain significance. Last evaluated: 2025-02-19. Review status: criteria provided, single submitter. Criteria: Invitae Variant Classification Sherloc (09022015). Collection method: clinical testing. Allele origin: germline.
Comment: This sequence change replaces alanine, which is neutral and non-polar, with valine, which is neutral and non-polar, at codon 1547 of the COL4A4 protein (p.Ala1547Val). This variant is present in population databases (rs780916516, gnomAD 0.006%). This variant has not been reported in the literature in individuals affected with COL4A4-related conditions. ClinVar contains an entry for this variant (Variation ID: 522505). Invitae Evidence Modeling of protein sequence and biophysical properties (such as structural, functional, and spatial information, amino acid conservation, physicochemical variation, residue mobility, and thermodynamic stability) indicates that this missense variant is not expected to disrupt COL4A4 protein function with a negative predictive value of 95%. In summary, the available evidence is currently insufficient to determine the role of this variant in disease. Therefore, it has been classified as a Variant of Uncertain Significance.

Fulgent Genetics
Classification: Uncertain significance for Hematuria, benign familial, 1; Autosomal recessive Alport syndrome. Last evaluated: 2024-06-17. Review status: criteria provided, single submitter. Criteria: ACMG Guidelines, 2015. Collection method: clinical testing. Allele origin: germline.

GeneDx
Classification: Uncertain significance. Last evaluated: 2023-07-26. Review status: criteria provided, single submitter. Criteria: GeneDx Variant Classification Process June 2021. Collection method: clinical testing. Allele origin: germline. Affected: yes.
Comment: Not observed at significant frequency in large population cohorts (gnomAD); In silico analysis, which includes protein predictors and evolutionary conservation, supports a deleterious effect; Has not been previously published as pathogenic or benign to our knowledge

Blueprint Genetics
Classification: Uncertain significance. Last evaluated: 2020-08-12. Review status: criteria provided, single submitter. Criteria: ACMG Guidelines, 2015. Collection method: clinical testing. Allele origin: germline.

Laboratory for Molecular Medicine, Mass General Brigham Personalized Medicine
Classification: Uncertain significance. Last evaluated: 2018-10-10. Review status: criteria provided, single submitter. Criteria: LMM Criteria. Collection method: clinical testing. Allele origin: germline. Observed: 1 variant allele.
Comment: The p.Ala1547Val variant in COL4A4 has not been previously reported in individua ls with hearing loss or Alport syndrome, but has been identified in 5/111334 Eur opean chromosomes and 2/33578 Latino chromosomes by gnomAD. Computational prediction tools and conservation analysis suggest that this variant may impact the protein, though this information is not predict ive enough to determine pathogenicity. In summary, the clinical significance of this variant is uncertain. ACMG/AMP Criteria applied: PM2, PP3.

Natera, Inc.
Classification: Uncertain significance for Alport syndrome. Last evaluated: 2019-10-28. Review status: no assertion criteria provided. Collection method: clinical testing. Allele origin: germline. Not counted in ClinVar's aggregate classification.

Bioscientia Institut fuer Medizinische Diagnostik GmbH, Sonic Healthcare
Classification: Uncertain significance for Autosomal dominant Alport syndrome. Last evaluated: 2017-10-06. Review status: no assertion criteria provided. Collection method: clinical testing. Allele origin: germline. Affected: yes. Not counted in ClinVar's aggregate classification.